The following is an entry in ClinVar:

NM_182914.3(SYNE2):c.14614G>A (p.Glu4872Lys)

Gene: SYNE2 (spectrin repeat containing nuclear envelope protein 2; plus strand). Cytogenetic location: 14q23.2.
Variant type: single nucleotide variant.
Coding change: c.14614G>A on transcript NM_182914.3 (MANE Select); coding-DNA position 14614, G replaced by A.
Protein change: p.Glu4872Lys; replaces glutamic acid 4872 with lysine.
Molecular consequence: missense variant.
Genome position (GRCh38, 1-based): chr14:64,134,168, G>A. VCF-style: chr14-64134168-G-A. GRCh37 (hg19) VCF-style: chr14-64600886-G-A.
Other names: c.14614G>A, p.Glu4872Lys (NM_015180.6); short protein forms E4872K.
Identifiers: ClinVar variation 1677705 (VCV001677705.6), dbSNP rs140203936, ClinGen allele CA7222824.

ClinVar aggregate classification (germline): Uncertain significance. Review status: criteria provided, multiple submitters, no conflicts (2 of 4 stars). 2 submissions from 2 submitters: Uncertain significance (2). Last evaluated 2022-08-09.

Conditions:
Emery-Dreifuss muscular dystrophy 5, autosomal dominant (EDMD5). Also called: EMERY-DREIFUSS MUSCULAR DYSTROPHY 5. Identifiers: Orphanet 261, MedGen C2751805, MONDO:0013072, OMIM 612999.

Allele frequency attached by ClinVar (database versions not stated): gnomAD exomes below 0.00001 and 0.00001; ExAC 0.00001; gnomAD 0.00001 and 0.00002; TOPMed 0.00003; ESP Exome Variant Server 0.00008.

Submissions (2):

Labcorp Genetics (formerly Invitae), Labcorp
Classification: Uncertain significance for Emery-Dreifuss muscular dystrophy 5, autosomal dominant. Last evaluated: 2022-08-09. Review status: criteria provided, single submitter. Criteria: Invitae Variant Classification Sherloc (09022015). Collection method: clinical testing. Allele origin: germline.
Comment: ClinVar contains an entry for this variant (Variation ID: 1677705). In summary, the available evidence is currently insufficient to determine the role of this variant in disease. Therefore, it has been classified as a Variant of Uncertain Significance. Algorithms developed to predict the effect of missense changes on protein structure and function are either unavailable or do not agree on the potential impact of this missense change (SIFT: "Tolerated"; PolyPhen-2: "Possibly Damaging"; Align-GVGD: "Class C0"). This variant has not been reported in the literature in individuals affected with SYNE2-related conditions. This variant is present in population databases (rs140203936, gnomAD 0.007%). This sequence change replaces glutamic acid, which is acidic and polar, with lysine, which is basic and polar, at codon 4872 of the SYNE2 protein (p.Glu4872Lys).

AiLife Diagnostics
Classification: Uncertain significance. Last evaluated: 2021-12-16. Review status: criteria provided, single submitter. Criteria: ACMG Guidelines, 2015. Collection method: clinical testing. Allele origin: germline. Affected: yes. Observed: 1 variant allele.